The following is an entry in ClinVar:

NM_002382.5(MAX):c.*248A>T

Gene: MAX (MYC associated transcriptional regulator X; minus strand). Cytogenetic location: 14q23.3.
Variant type: single nucleotide variant.
Coding change: c.*248A>T on transcript NM_002382.5 (MANE Select); 248 bases downstream of the stop codon, A replaced by T.
Molecular consequence: 3 prime UTR variant. On other transcripts: intron variant (2).
Genome position (GRCh38, 1-based): chr14:65,076,228, T>A on the plus strand (A>T on the coding strand, the complement: MAX is on the minus strand). VCF-style: chr14-65076228-T-A. GRCh37 (hg19) VCF-style: chr14-65542946-T-A.
Other names: c.*248A>T (NM_001320415.2, NM_001407094.1, NM_001407095.1 and 7 more transcripts); c.*504A>T (NM_001407096.1, NM_001407099.1, NM_001407102.1 and 2 more transcripts); c.*520A>T (NM_001407097.1, NM_001407100.1, NM_001407101.1 and 4 more transcripts); c.144+17480A>T (NM_001271069.2); c.171+17480A>T (NM_197957.4).
Identifiers: ClinVar variation 313812 (VCV000313812.6), dbSNP rs559154342, ClinGen allele CA10644558.
Genomic context (GRCh38, chr14:65,076,228, plus strand): 5'-GAGGTCCGGCCGGCCGTCTGTCCTCCACAGAAAAAGCTGCCAAGTTGGGGTGTTTTGGTT[T>A]AAAAATTCCTGTTGGGGACAGGGAATCCCTGAAGGGAATACATTAAAAAATATACAGTGG-3'

ClinVar aggregate classification (germline): Benign (1 of 4 stars; one submission).

Conditions:
Pheochromocytoma. Also called: MAX-Related Hereditary Paraganglioma-Pheochromocytoma Syndrome. Identifiers: Orphanet 29072, MedGen C0031511, MONDO:0008233, OMIM 171300, HP:0002666.

Allele frequency attached by ClinVar (database versions not stated): gnomAD 0.00007 and 0.00021; TOPMed 0.00008; gnomAD exomes 0.00053; 1000 Genomes Project 30x 0.00094; 1000 Genomes Project 0.00120.
gnomAD v4.1: 683 of 1,423,568 alleles (0.048%); highest among the groups gnomAD compares: East Asian, 1.7%; 9 homozygotes.

Submission:

Illumina Laboratory Services, Illumina
Classification: Benign for Pheochromocytoma. Last evaluated: 2018-01-13. Review status: criteria provided, single submitter. Criteria: ICSL Variant Classification Criteria 13 December 2019. Collection method: clinical testing. Allele origin: germline.
Comment: This variant was observed in the ICSL laboratory as part of a predisposition screen in an ostensibly healthy population. It had not been previously curated by ICSL or reported in the Human Gene Mutation Database (HGMD: prior to June 1st, 2018), and was therefore a candidate for classification through an automated scoring system. Utilizing variant allele frequency, disease prevalence and penetrance estimates, and inheritance mode, an automated score was calculated to assess if this variant is too frequent to cause the disease. Based on the score and internal cut-off values, a variant classified as benign is not then subjected to further curation. The score for this variant resulted in a classification of benign for this disease.